The following is an entry in ClinVar:

ClinVar aggregate classification (germline): Conflicting classifications of pathogenicity. Review status: criteria provided, conflicting classifications (1 of 4 stars). 2 submissions from 2 submitters: Uncertain significance (1); Likely benign (1). Last evaluated 2025-02-22.

Conditions:
Inborn genetic diseases. Identifiers: MedGen C0950123, MeSH D030342.

Allele frequency attached by ClinVar (database versions not stated): gnomAD 0.00003 and 0.00004.
gnomAD v4.1: 7 of 1,613,602 alleles (0.00043%); highest among the groups gnomAD compares: African/African-American, 0.0093%; no homozygotes.

Submissions (2):

Ambry Genetics
Classification: Likely benign for Inborn genetic diseases. Last evaluated: 2025-02-22. Review status: criteria provided, single submitter. Criteria: Ambry Variant Classification Scheme 2023. Collection method: clinical testing. Allele origin: germline.

Labcorp Genetics (formerly Invitae), Labcorp
Classification: Uncertain significance. Last evaluated: 2024-10-12. Review status: criteria provided, single submitter. Criteria: Invitae Variant Classification Sherloc (09022015). Collection method: clinical testing. Allele origin: germline.
Comment: This sequence change replaces glycine, which is neutral and non-polar, with tryptophan, which is neutral and slightly polar, at codon 391 of the RHOBTB2 protein (p.Gly391Trp). This variant is present in population databases (rs768876803, gnomAD 0.02%). This variant has not been reported in the literature in individuals affected with RHOBTB2-related conditions. ClinVar contains an entry for this variant (Variation ID: 1484208). Invitae Evidence Modeling of protein sequence and biophysical properties (such as structural, functional, and spatial information, amino acid conservation, physicochemical variation, residue mobility, and thermodynamic stability) indicates that this missense variant is not expected to disrupt RHOBTB2 protein function with a negative predictive value of 80%. In summary, the available evidence is currently insufficient to determine the role of this variant in disease. Therefore, it has been classified as a Variant of Uncertain Significance.

NM_015178.3(RHOBTB2):c.1105G>T (p.Gly369Trp)

Gene: RHOBTB2 (Rho related BTB domain containing 2; plus strand). Cytogenetic location: 8p21.3.
Variant type: single nucleotide variant.
Coding change: c.1105G>T on transcript NM_015178.3 (MANE Select); coding-DNA position 1105, G replaced by T.
Protein change: p.Gly369Trp; replaces glycine 369 with tryptophan.
Molecular consequence: missense variant.
Genome position (GRCh38, 1-based): chr8:23,007,350, G>T. VCF-style: chr8-23007350-G-T. GRCh37 (hg19) VCF-style: chr8-22864863-G-T.
Other names: c.1171G>T (NM_001160036.1); c.1171G>T, p.Gly391Trp (NM_001160036.2); c.1126G>T, p.Gly376Trp (NM_001160037.2); c.1105G>T, p.Gly369Trp (NM_001374791.1); short protein forms G376W, G391W, G369W.
Identifiers: ClinVar variation 1484208 (VCV001484208.7), dbSNP rs768876803, ClinGen allele CA4672606.